The following is an entry in ClinVar:

NM_005202.4(COL8A2):c.1328C>T (p.Ala443Val)

Gene: COL8A2 (collagen type VIII alpha 2 chain; minus strand). Cytogenetic location: 1p34.3.
Variant type: single nucleotide variant.
Coding change: c.1328C>T on transcript NM_005202.4 (MANE Select); coding-DNA position 1328, C replaced by T.
Protein change: p.Ala443Val; replaces alanine 443 with valine.
Molecular consequence: missense variant.
Genome position (GRCh38, 1-based): chr1:36,098,353, G>A on the plus strand (C>T on the coding strand, the complement: COL8A2 is on the minus strand). VCF-style: chr1-36098353-G-A. GRCh37 (hg19) VCF-style: chr1-36563954-G-A.
Other names: c.1133C>T, p.Ala378Val (NM_001294347.2); short protein forms A378V, A443V.
Identifiers: ClinVar variation 1474301 (VCV001474301.6), dbSNP rs747108574, ClinGen allele CA764962.
Genomic context (GRCh38, chr1:36,098,353, plus strand): 5'-CCTGAGGGACCCCTCAGGCCAGGCTGCCCAGGGAGCCCCAAGTCACCTTTCTGCCCCAGG[G>A]CTCCTGCCACCCCTGGTCCTCCAGGGCGACCCGTGAAACCCGGCTCACCCTTGGGCCCAG-3'
Protein context (NP_005193.1, residues 433-453): GRPGGPGVAG[Ala443Val]LGQKGDLGLP

ClinVar aggregate classification (germline): Uncertain significance (1 of 4 stars; one submission).

Allele frequency attached by ClinVar (database versions not stated): gnomAD 0.00001 and 0.00002; gnomAD exomes 0.00003; ExAC 0.00028.
gnomAD v4.1: 44 of 1,551,264 alleles (0.0028%); highest among the groups gnomAD compares: Middle Eastern, 0.058%; 1 homozygote.

Submission:

Labcorp Genetics (formerly Invitae), Labcorp
Classification: Uncertain significance. Last evaluated: 2022-11-08. Review status: criteria provided, single submitter. Criteria: Invitae Variant Classification Sherloc (09022015). Collection method: clinical testing. Allele origin: germline.
Comment: This sequence change replaces alanine, which is neutral and non-polar, with valine, which is neutral and non-polar, at codon 443 of the COL8A2 protein (p.Ala443Val). This variant is present in population databases (rs747108574, gnomAD 0.02%), including at least one homozygous and/or hemizygous individual. This variant has not been reported in the literature in individuals affected with COL8A2-related conditions. ClinVar contains an entry for this variant (Variation ID: 1474301). Algorithms developed to predict the effect of missense changes on protein structure and function are either unavailable or do not agree on the potential impact of this missense change (SIFT: "Deleterious"; PolyPhen-2: "Not Available"; Align-GVGD: "Class C15"). In summary, the available evidence is currently insufficient to determine the role of this variant in disease. Therefore, it has been classified as a Variant of Uncertain Significance.